The following is an entry in ClinVar:

NC_000016.9:g.(?_88709737)_(88718353_?)dup

Genes: CYBA (cytochrome b-245 alpha chain; minus strand), MVD (mevalonate diphosphate decarboxylase; minus strand), LOC130059739 (ATAC-STARR-seq lymphoblastoid active region 11359; plus strand). Cytogenetic location: 16q24.2.
Variant type: Duplication.
Identifiers: ClinVar variation 646964 (VCV000646964.1).

ClinVar aggregate classification (germline): Uncertain significance (1 of 4 stars; one submission).

Conditions:
Granulomatous disease, chronic, autosomal recessive, cytochrome b-negative. Also called: GRANULOMATOUS DISEASE, CHRONIC, AUTOSOMAL RECESSIVE, 4; Chronic granulomatous disease, autosomal, due to deficiency of CYBA; CGD DUE TO DEFICIENCY OF THE ALPHA SUBUNIT OF CYTOCHROME b; CGD, AUTOSOMAL RECESSIVE CYTOCHROME b-NEGATIVE; CYBA DEFICIENCY. Identifiers: Orphanet 379, MedGen C1856255, MONDO:0009308, OMIM 233690.

Submission:

Labcorp Genetics (formerly Invitae), Labcorp
Classification: Uncertain significance for Granulomatous disease, chronic, autosomal recessive, cytochrome b-negative. Last evaluated: 2018-11-21. Review status: criteria provided, single submitter. Criteria: Invitae Variant Classification Sherloc (09022015). Collection method: clinical testing. Allele origin: germline.
Comment: This variant results in a copy number gain of the genomic region encompassing the full coding sequence of the CYBA gene. The boundaries of this event are unknown as they extend beyond the assayed region for this gene and therefore may encompass additional genes. As the precise location of this event is unknown, it may be in tandem or it may be located elsewhere in the genome. This variant has not been reported in the literature in individuals with CYBA-related disease. In summary, the available evidence is currently insufficient to determine the role of this variant in disease. Therefore, it has been classified as a Variant of Uncertain Significance.